The following is an entry in ClinVar:

NM_024334.3(TMEM43):c.822_824del (p.Phe275del)

Gene: TMEM43 (transmembrane protein 43; plus strand). Cytogenetic location: 3p25.1.
Variant type: Deletion.
Coding change: c.822_824del on transcript NM_024334.3 (MANE Select); coding-DNA positions 822 to 824, 3 bases deleted (ATT; older notation c.822_824delATT).
Protein change: p.Phe275del; deletes phenylalanine 275.
Molecular consequence: inframe deletion.
Genome position (GRCh38, 1-based): chr3:14,135,848-14,135,850, ATT deleted. VCF-style (leftmost placement, unchanged base first): chr3-14135847-CATT-C. GRCh37 (hg19) VCF-style: chr3-14177347-CATT-C.
Other names: short protein forms F275del.
Identifiers: ClinVar variation 926242 (VCV000926242.3), dbSNP rs1695162181, ClinGen allele CA913188060.

ClinVar aggregate classification (germline): Uncertain significance (1 of 4 stars; one submission).

Conditions:
Cardiomyopathy (CMYO). Also called: Cardiomyopathies. Identifiers: Orphanet 167848, MedGen C0878544, MONDO:0004994, HP:0001638. Inheritance: Various modes of inheritance.

Submission:

Color Diagnostics, LLC DBA Color Health
Classification: Uncertain significance for Cardiomyopathy. Last evaluated: 2018-12-11. Review status: criteria provided, single submitter. Criteria: ACMG Guidelines, 2015. Collection method: clinical testing. Allele origin: germline.
Comment: Variant of Uncertain Significance due to insufficient evidence: This variant causes a deletion of one amino acid from the cytoplasmic domain of the TMEM43 protein. Computational splicing tools suggest that this variant may not impact RNA splicing. To our knowledge, functional assays have not been performed for this variant nor has this variant been reported in individuals affected with cardiovascular disorders in the literature. This variant is rare in the general population and has been identified in 0/277264 chromosomes by the Genome Aggregation Database (gnomAD). Available evidence is insufficient to determine the pathogenicity of this variant conclusively.